The following is an entry in ClinVar:

NM_025103.4(IFT74):c.1778C>T (p.Ala593Val)

Gene: IFT74 (intraflagellar transport 74; plus strand). Cytogenetic location: 9p21.2.
Variant type: single nucleotide variant.
Coding change: c.1778C>T on transcript NM_025103.4 (MANE Select); coding-DNA position 1778, C replaced by T.
Protein change: p.Ala593Val; replaces alanine 593 with valine.
Molecular consequence: missense variant. On other transcripts: 3 prime UTR variant (1).
Genome position (GRCh38, 1-based): chr9:27,062,711, C>T. VCF-style: chr9-27062711-C-T. GRCh37 (hg19) VCF-style: chr9-27062709-C-T.
Other names: c.1778C>T, p.Ala593Val (NM_001099222.3, NM_001099223.3); c.*714C>T (NM_001349928.2); short protein forms A593V.
Identifiers: ClinVar variation 3350216 (VCV003350216.1).
Genomic context (GRCh38, chr9:27,062,711, plus strand): 5'-AGCCAATTAAGAAAAATGTGACCAAGCAGATTGCAGAGTACAATAAAACCATCGTGGATG[C>T]TTTACATAGCACCAGCGGAAACTGAGTTTAAGTCCACTGAAAGTCTCTAAGGAAGTATCC-3'
Protein context (NP_079379.2, residues 583-600): IAEYNKTIVD[Ala593Val]LHSTSGN

ClinVar aggregate classification (germline): Uncertain significance (0 of 4 stars; one submission).

Conditions:
IFT74-related disorder. Also called: IFT74-related condition; IFT74-Related Disorders.

gnomAD v4.1: 1 of 1,594,702 alleles (0.000063%); highest among the groups gnomAD compares: African/African-American, 0.0013%; no homozygotes.

Submission:

PreventionGenetics, part of Exact Sciences
Classification: Uncertain significance for IFT74-related condition. Last evaluated: 2023-11-06. Review status: no assertion criteria provided. Collection method: clinical testing. Allele origin: germline.
Comment: The IFT74 c.1778C>T variant is predicted to result in the amino acid substitution p.Ala593Val. To our knowledge, this variant has not been reported in the literature. This variant is reported in 0.0066% of alleles in individuals of African descent in gnomAD. At this time, the clinical significance of this variant is uncertain due to the absence of conclusive functional and genetic evidence.